The following is an entry in ClinVar:

NM_012281.3(KCND2):c.1615C>T (p.Arg539Cys)

Gene: KCND2 (potassium voltage-gated channel subfamily D member 2; plus strand). Cytogenetic location: 7q31.31.
Variant type: single nucleotide variant.
Coding change: c.1615C>T on transcript NM_012281.3 (MANE Select); coding-DNA position 1615, C replaced by T.
Protein change: p.Arg539Cys; replaces arginine 539 with cysteine.
Molecular consequence: missense variant.
Genome position (GRCh38, 1-based): chr7:120,745,927, C>T. VCF-style: chr7-120745927-C-T. GRCh37 (hg19) VCF-style: chr7-120385981-C-T.
Other names: short protein forms R539C.
Identifiers: ClinVar variation 1523196 (VCV001523196.8), dbSNP rs757409386, ClinGen allele CA4453726.

ClinVar aggregate classification (germline): Uncertain significance (1 of 4 stars; one submission).

Conditions:
Early Myoclonic Encephalopathy. Identifiers: MedGen C0270855.

Allele frequency attached by ClinVar (database versions not stated): gnomAD 0.00001; ExAC 0.00002; gnomAD exomes 0.00001.
gnomAD v4.1: 14 of 1,613,752 alleles (0.00087%); highest among the groups gnomAD compares: South Asian, 0.0033%; no homozygotes.

Submission:

Labcorp Genetics (formerly Invitae), Labcorp
Classification: Uncertain significance for Early Myoclonic Encephalopathy. Last evaluated: 2020-12-18. Review status: criteria provided, single submitter. Criteria: Invitae Variant Classification Sherloc (09022015). Collection method: clinical testing. Allele origin: germline.
Comment: In summary, the available evidence is currently insufficient to determine the role of this variant in disease. Therefore, it has been classified as a Variant of Uncertain Significance. Advanced modeling of protein sequence and biophysical properties (such as structural, functional, and spatial information, amino acid conservation, physicochemical variation, residue mobility, and thermodynamic stability) performed at Invitae indicates that this missense variant is not expected to disrupt KCND2 protein function. This variant has not been reported in the literature in individuals with KCND2-related conditions. This variant is present in population databases (rs757409386, ExAC 0.01%). This sequence change replaces arginine with cysteine at codon 539 of the KCND2 protein (p.Arg539Cys). The arginine residue is moderately conserved and there is a large physicochemical difference between arginine and cysteine.